The following is an entry in ClinVar:

NM_001292063.2(OTOG):c.4627G>A (p.Ala1543Thr)

Gene: OTOG (otogelin; plus strand). Cytogenetic location: 11p15.1.
Variant type: single nucleotide variant.
Coding change: c.4627G>A on transcript NM_001292063.2 (MANE Select); coding-DNA position 4627, G replaced by A.
Protein change: p.Ala1543Thr; replaces alanine 1543 with threonine.
Molecular consequence: missense variant.
Genome position (GRCh38, 1-based): chr11:17,609,927, G>A. VCF-style: chr11-17609927-G-A. GRCh37 (hg19) VCF-style: chr11-17631474-G-A.
Other names: c.4663G>A, p.Ala1555Thr (NM_001277269.2); short protein forms A1555T, A1543T.
Identifiers: ClinVar variation 227782 (VCV000227782.23), dbSNP rs545740473, ClinGen allele CA5905859.

ClinVar aggregate classification (germline): Benign/Likely benign. Review status: criteria provided, multiple submitters, no conflicts (2 of 4 stars). 7 submissions from 7 submitters: Benign (1); Likely benign (5). 1 of the submissions does not count toward it. Last evaluated 2025-12-16.

Conditions:
OTOG-related disorder. Also called: OTOG-related condition.

Allele frequency attached by ClinVar (database versions not stated): gnomAD exomes 0.00067; ExAC 0.00074; 1000 Genomes Project 30x 0.00203; 1000 Genomes Project 0.00220; TOPMed 0.00334.
gnomAD v4.1: 906 of 1,528,824 alleles (0.059%); highest among the groups gnomAD compares: African/African-American, 1.1%; 5 homozygotes.

Submissions (7):

Labcorp Genetics (formerly Invitae), Labcorp
Classification: Benign. Last evaluated: 2025-12-16. Review status: criteria provided, single submitter. Criteria: Invitae Variant Classification Sherloc (09022015). Collection method: clinical testing. Allele origin: germline.

Blueprint Genetics
Classification: Likely benign. Last evaluated: 2023-02-10. Review status: criteria provided, single submitter. Criteria: ACMG Guidelines, 2015. Collection method: clinical testing. Allele origin: germline.

GeneDx
Classification: Likely benign. Last evaluated: 2020-09-17. Review status: criteria provided, single submitter. Criteria: GeneDx Variant Classification Process June 2021. Collection method: clinical testing. Allele origin: germline. Affected: yes.

Eurofins Ntd Llc (ga)
Classification: Likely benign. Last evaluated: 2018-03-23. Review status: criteria provided, single submitter. Criteria: EGL ClinVar v180209 classification definitions. Collection method: clinical testing. Allele origin: germline. Observed: 1 variant allele, 1 heterozygote.

Laboratory for Molecular Medicine, Mass General Brigham Personalized Medicine
Classification: Likely benign. Last evaluated: 2016-03-29. Review status: criteria provided, single submitter. Criteria: LMM Criteria. Collection method: clinical testing. Allele origin: germline. Observed: 3 variant alleles.
Comment: p.Ala1555Thr in exon 35 of OTOG: This variant is not expected to have clinical s ignificance due to a lack of conservation in mammals. Of note, three mammals (sq uirrel, manatee, Cape golden mole) have a threonine (Thr) at this position. It h as been identified in 0.6% (5/774) of African chromosomes by the Exome Aggregati on Consortium (ExAC; dbSNP rs545740473).

Breakthrough Genomics
Classification: Likely benign. Review status: criteria provided, single submitter. Criteria: ACMG Guidelines, 2015. Collection method: not provided. Allele origin: germline. Inheritance: Autosomal recessive inheritance. Affected: yes.

PreventionGenetics, part of Exact Sciences
Classification: Benign for OTOG-related condition. Last evaluated: 2020-04-02. Review status: no assertion criteria provided. Collection method: clinical testing. Allele origin: germline. Not counted in ClinVar's aggregate classification.
Comment: This variant is classified as benign based on ACMG/AMP sequence variant interpretation guidelines (Richards et al. 2015 PMID: 25741868, with internal and published modifications).